The following is an entry in ClinVar:

NM_002109.6(HARS1):c.180+3014C>T

Gene: HARS1 (histidyl-tRNA synthetase 1; minus strand). Cytogenetic location: 5q31.3.
Variant type: single nucleotide variant.
Coding change: c.180+3014C>T on transcript NM_002109.6 (MANE Select); 3014 bases into the intron after coding-DNA position 180, C replaced by T.
Molecular consequence: intron variant.
Genome position (GRCh38, 1-based): chr5:140,687,841, G>A on the plus strand (C>T on the coding strand, the complement: HARS1 is on the minus strand). VCF-style: chr5-140687841-G-A. GRCh37 (hg19) VCF-style: chr5-140067426-G-A.
Other names: c.93+3014C>T (NM_001289094.2); c.180+3014C>T (NM_001289093.2, NM_001258042.3, NM_001258040.3 and 2 more transcripts).
Identifiers: ClinVar variation 4819272 (VCV004819272.1).

ClinVar aggregate classification (germline): Uncertain significance (1 of 4 stars; one submission).

Conditions:
HARS1-related ataxia condition.

Submission:

Undiagnosed Diseases Network, NIH
Classification: Uncertain significance for HARS1-related ataxia condition. Last evaluated: 2025-10-13. Review status: criteria provided, single submitter. Criteria: ACMG Guidelines, 2015. Collection method: clinical testing, in vitro. Allele origin: maternal, not applicable. Inheritance: Autosomal recessive inheritance. Affected: yes. Observed: 1 variant allele, 1 compound heterozygote. Functional consequence: included pseudoexon. Study: Undiagnosed Diseases Network (NIH), UDN.
Comment: This variant is predicted to alter splicing (SpliceAI: 0.06 donor loss at -95bp). RNAseq showed inclusion of a cryptic frameshifting exon in ~30% of reads.